The following is an entry in ClinVar:

NM_018406.7(MUC4):c.11166T>C (p.Ser3722=)

Gene: MUC4 (mucin 4, cell surface associated). Cytogenetic location: 3q29.
Variant type: single nucleotide variant.
Coding change: c.11166T>C on transcript NM_018406.7 (MANE Select); coding-DNA position 11166, T replaced by C.
Protein change: p.Ser3722=; no amino-acid change (serine 3722 retained).
Molecular consequence: synonymous variant. On other transcripts: no sequence alteration (1), genic upstream transcript variant (2).
Genome position (GRCh38, 1-based): chr3:195,780,414, A>G on the plus strand (T>C on the coding strand, the complement: MUC4 is on the minus strand). VCF-style: chr3-195780414-A-G. GRCh37 (hg19) VCF-style: chr3-195507285-A-G.
Other names: c.15984=, p.Ser5328= (NM_001322468.1); c.83-6109T>C (NM_138297.5); c.83-1959T>C (NM_004532.6).
Identifiers: ClinVar variation 2654409 (VCV002654409.24), dbSNP rs765604406, ClinGen allele CA2769645.
Genomic context (GRCh38, chr3:195,780,414, plus strand): 5'-GACGTGACCTGTGGATGCTGAGGAAGGGCTGGTGACATGAAGAGGGGTGACGTGACCTGT[A>G]GATACTGAGGAAGTGCTGGTGACAGGAAGAGGGGTGGTGTGACCTGAGGATGATGAGGAA-3'
Protein context (NP_060876.5, residues 3712-3732): PLPVTSTSSV[Ser3722=]TGHVTPLHVT

ClinVar aggregate classification (germline): Likely benign (1 of 4 stars; one submission).

Allele frequency attached by ClinVar (database versions not stated): gnomAD exomes 0.00037; gnomAD 0.00124; ExAC 0.00143.
gnomAD v4.1: 620 of 1,459,768 alleles (0.042%); highest among the groups gnomAD compares: East Asian, 0.51%; 15 homozygotes.

Submission:

CeGaT Center for Human Genetics Tuebingen
Classification: Likely benign. Last evaluated: 2022-06-01. Review status: criteria provided, single submitter. Criteria: CeGaT Center For Human Genetics Tuebingen Variant Classification Criteria Version 2. Collection method: clinical testing. Allele origin: germline. Affected: yes. Observed: 1 variant allele.
Comment: MUC4: BP4, BP7